The following is an entry in ClinVar:

NM_032802.4(SPPL2A):c.136A>G (p.Asn46Asp)

Gene: SPPL2A (signal peptide peptidase like 2A; minus strand). Cytogenetic location: 15q21.2.
Variant type: single nucleotide variant.
Coding change: c.136A>G on transcript NM_032802.4 (MANE Select); coding-DNA position 136, A replaced by G.
Protein change: p.Asn46Asp; replaces asparagine 46 with aspartic acid.
Molecular consequence: missense variant.
Genome position (GRCh38, 1-based): chr15:50,749,677, T>C on the plus strand (A>G on the coding strand, the complement: SPPL2A is on the minus strand). VCF-style: chr15-50749677-T-C. GRCh37 (hg19) VCF-style: chr15-51041874-T-C.
Other names: short protein forms N46D.
Identifiers: ClinVar variation 3673847 (VCV003673847.2).
Genomic context (GRCh38, chr15:50,749,677, plus strand): 5'-GTAACTGTGATTTACTTACTGCATTTTCTAGGGTACTTGGAAGAGCTGTCCAATAAGGGT[T>C]ATAAAGCATGCAGTAGTCCTTGGTTGTGCCATTTCCAGACGCATGCAAGATTGCTTCCTG-3'
Protein context (NP_116191.2, residues 36-56): GTTKDYCMLY[Asn46Asp]PYWTALPSTL

ClinVar aggregate classification (germline): Uncertain significance (1 of 4 stars; one submission).

gnomAD v4.1: 1 of 1,613,016 alleles (0.000062%); highest among the groups gnomAD compares: Non-Finnish European, 0.000085%; no homozygotes.

Submission:

Labcorp Genetics (formerly Invitae), Labcorp
Classification: Uncertain significance. Last evaluated: 2024-06-09. Review status: criteria provided, single submitter. Criteria: Invitae Variant Classification Sherloc (09022015). Collection method: clinical testing. Allele origin: germline.
Comment: This sequence change replaces asparagine, which is neutral and polar, with aspartic acid, which is acidic and polar, at codon 46 of the SPPL2A protein (p.Asn46Asp). This variant is not present in population databases (gnomAD no frequency). This variant has not been reported in the literature in individuals affected with SPPL2A-related conditions. An algorithm developed to predict the effect of missense changes on protein structure and function (PolyPhen-2) suggests that this variant is likely to be disruptive. In summary, the available evidence is currently insufficient to determine the role of this variant in disease. Therefore, it has been classified as a Variant of Uncertain Significance.